The following is an entry in ClinVar:

ClinVar aggregate classification (germline): Uncertain significance (1 of 4 stars; one submission).

Allele frequency attached by ClinVar (database versions not stated): gnomAD 0.00002.
gnomAD v4.1: 9 of 1,542,282 alleles (0.00058%); highest among the groups gnomAD compares: African/African-American, 0.0095%; no homozygotes.

Submission:

Labcorp Genetics (formerly Invitae), Labcorp
Classification: Uncertain significance. Last evaluated: 2022-06-24. Review status: criteria provided, single submitter. Criteria: Invitae Variant Classification Sherloc (09022015). Collection method: clinical testing. Allele origin: germline.
Comment: In summary, the available evidence is currently insufficient to determine the role of this variant in disease. Therefore, it has been classified as a Variant of Uncertain Significance. Algorithms developed to predict the effect of missense changes on protein structure and function (SIFT, PolyPhen-2, Align-GVGD) all suggest that this variant is likely to be disruptive. This variant has not been reported in the literature in individuals affected with RGS9BP-related conditions. This variant is not present in population databases (gnomAD no frequency). This sequence change replaces leucine, which is neutral and non-polar, with valine, which is neutral and non-polar, at codon 150 of the RGS9BP protein (p.Leu150Val).

NM_207391.3(RGS9BP):c.448C>G (p.Leu150Val)

Gene: RGS9BP (regulator of G protein signaling 9 binding protein; plus strand). Cytogenetic location: 19q13.11.
Variant type: single nucleotide variant.
Coding change: c.448C>G on transcript NM_207391.3 (MANE Select); coding-DNA position 448, C replaced by G.
Protein change: p.Leu150Val; replaces leucine 150 with valine.
Molecular consequence: missense variant.
Genome position (GRCh38, 1-based): chr19:32,676,711, C>G. VCF-style: chr19-32676711-C-G. GRCh37 (hg19) VCF-style: chr19-33167617-C-G.
Other names: short protein forms L150V.
Identifiers: ClinVar variation 1950618 (VCV001950618.3), dbSNP rs1311341546, ClinGen allele CA405186774.